The following is an entry in ClinVar:

ClinVar aggregate classification (germline): Likely pathogenic (1 of 4 stars; one submission).

Conditions:
X-linked Alport syndrome (ATS1). Also called: COL4A5-Related Nephropathy; NEPHROPATHY AND DEAFNESS, X-LINKED. Identifiers: Orphanet 63, Orphanet 88917, MedGen C4746986, MONDO:0010520, OMIM 301050.

Submission:

Myriad Genetics, Inc.
Classification: Likely pathogenic for X-linked Alport syndrome. Last evaluated: 2022-03-21. Review status: criteria provided, single submitter. Criteria: Myriad Women's Health Autosomal Recessive and X-Linked Classification Criteria (2021). Collection method: clinical testing. Allele origin: unknown.
Comment: NM_000495.4(COL4A5):c.216delG(P73Lfs*82) is expected to be pathogenic in the context of X-linked Alport syndrome. This variant is predicted to lead to an abnormal or absent protein product due to the creation of a premature termination codon in COL4A5, a gene where loss-of-function variants are known to be pathogenic. Please note: this variant was assessed in the context of healthy population screening.

NM_033380.3(COL4A5):c.216del (p.Pro73fs)

Gene: COL4A5 (collagen type IV alpha 5 chain; plus strand). Cytogenetic location: Xq22.3.
Variant type: Deletion.
Coding change: c.216del on transcript NM_033380.3 (MANE Select); coding-DNA position 216, one base deleted (G; older notation c.216delG).
Protein change: p.Pro73fs; shifts the reading frame from proline 73.
Molecular consequence: frameshift variant.
Genome position (GRCh38, 1-based): chrX:108,559,138, G deleted; the last of 4 consecutive G bases (chrX:108,559,135-108,559,138); deleting any one gives the same sequence. VCF-style (leftmost placement, unchanged base first): chrX-108559134-CG-C. GRCh37 (hg19) VCF-style: chrX-107802364-CG-C.
Other names: c.216del, p.Pro73fs (NM_000495.5); short protein forms P73fs.
Identifiers: ClinVar variation 1725440 (VCV001725440.2), dbSNP rs2524162850, ClinGen allele CA2580100151.